The following is an entry in ClinVar:

NM_006329.4(FBLN5):c.1067T>C (p.Val356Ala)

Gene: FBLN5 (fibulin 5; minus strand). Cytogenetic location: 14q32.12.
Variant type: single nucleotide variant.
Coding change: c.1067T>C on transcript NM_006329.4 (MANE Select); coding-DNA position 1067, T replaced by C.
Protein change: p.Val356Ala; replaces valine 356 with alanine.
Molecular consequence: missense variant.
Genome position (GRCh38, 1-based): chr14:91,877,605, A>G on the plus strand (T>C on the coding strand, the complement: FBLN5 is on the minus strand). VCF-style: chr14-91877605-A-G. GRCh37 (hg19) VCF-style: chr14-92343949-A-G.
Other names: c.1190T>C, p.Val397Ala (NM_001384158.1); c.1118T>C, p.Val373Ala (NM_001384159.1); c.1067T>C, p.Val356Ala (NM_001384160.1); c.899T>C, p.Val300Ala (NM_001384161.1, NM_001384162.1); short protein forms V356A, V300A, V397A, V373A.
Identifiers: ClinVar variation 1391995 (VCV001391995.6), dbSNP rs2139950000, ClinGen allele CA390640819.

ClinVar aggregate classification (germline): Uncertain significance (1 of 4 stars; one submission).

Submission:

Labcorp Genetics (formerly Invitae), Labcorp
Classification: Uncertain significance. Last evaluated: 2021-11-07. Review status: criteria provided, single submitter. Criteria: Invitae Variant Classification Sherloc (09022015). Collection method: clinical testing. Allele origin: germline.
Comment: This variant has not been reported in the literature in individuals affected with FBLN5-related conditions. Algorithms developed to predict the effect of missense changes on protein structure and function (SIFT, PolyPhen-2, Align-GVGD) all suggest that this variant is likely to be tolerated. In summary, the available evidence is currently insufficient to determine the role of this variant in disease. Therefore, it has been classified as a Variant of Uncertain Significance. This variant is not present in population databases (gnomAD no frequency). This sequence change replaces valine, which is neutral and non-polar, with alanine, which is neutral and non-polar, at codon 356 of the FBLN5 protein (p.Val356Ala).